The following is an entry in ClinVar:

ClinVar aggregate classification (germline): Pathogenic/Likely pathogenic. Review status: criteria provided, multiple submitters, no conflicts (2 of 4 stars). 2 submissions from 2 submitters: Pathogenic (1); Likely pathogenic (1). Last evaluated 2026-07-09.

Conditions:
Joubert syndrome and related disorders. Identifiers: Orphanet 140874, MedGen C5679612, MONDO:0015369.

gnomAD v4.1: 5 of 1,613,824 alleles (0.00031%); highest among the groups gnomAD compares: Non-Finnish European, 0.00042%; no homozygotes.

Submissions (2):

Myriad Genetics, Inc.
Classification: Pathogenic for Joubert syndrome and related disorders. Last evaluated: 2026-07-09. Review status: criteria provided, single submitter. Criteria: Myriad Autosomal Dominant, Autosomal Recessive and X-Linked Classification Criteria (2023). Collection method: clinical testing. Allele origin: unknown.
Comment: NM_001080522.2(CC2D2A):c.1644T>G(Y548*) is expected to be pathogenic in the context of CC2D2A-related disorders. This variant is predicted to lead to an abnormal or absent protein product due to the creation of a premature termination codon in CC2D2A, a gene where loss-of-function variants are known to be pathogenic. Please note: this variant was assessed in the context of healthy population screening.

GeneDx
Classification: Likely pathogenic. Last evaluated: 2023-02-27. Review status: criteria provided, single submitter. Criteria: GeneDx Variant Classification Process June 2021. Collection method: clinical testing. Allele origin: germline. Affected: yes.
Comment: Nonsense variant predicted to result in protein truncation or nonsense mediated decay in a gene for which loss-of-function is a known mechanism of disease; Not observed in large population cohorts (gnomAD); Has not been previously published as pathogenic or benign to our knowledge

NM_001378615.1(CC2D2A):c.1644T>G (p.Tyr548Ter)

Genes: CC2D2A (coiled-coil and C2 domain containing 2A; plus strand), FBXL5 (F-box and leucine rich repeat protein 5; minus strand). Cytogenetic location: 4p15.32.
Variant type: single nucleotide variant.
Coding change: c.1644T>G on transcript NM_001378615.1 (MANE Select); coding-DNA position 1644, T replaced by G.
Protein change: p.Tyr548Ter; replaces tyrosine 548 with a stop codon.
Molecular consequence: nonsense.
Genome position (GRCh38, 1-based): chr4:15,536,956, T>G. VCF-style: chr4-15536956-T-G. GRCh37 (hg19) VCF-style: chr4-15538579-T-G.
Other names: c.1644T>G, p.Tyr548Ter (NM_001080522.2); c.1497T>G, p.Tyr499Ter (NM_001378617.1); short protein forms Y499*, Y548*.
Identifiers: ClinVar variation 2442737 (VCV002442737.2), dbSNP rs1718163724, ClinGen allele CA356411240.